The following is an entry in ClinVar:

ClinVar aggregate classification (germline): Conflicting classifications of pathogenicity. Review status: criteria provided, conflicting classifications (1 of 4 stars). 9 submissions from 8 submitters: Uncertain significance (6); Benign (1); Likely benign (1). 1 of the submissions does not count toward it. Last evaluated 2026-08-11.

Conditions:
NOTCH1-related disorder. Also called: NOTCH1-related disorders; NOTCH1-related condition.
Adams-Oliver syndrome 5 (AOS5). Identifiers: Orphanet 974, MedGen C4014970, MONDO:0014459, OMIM 616028.
Familial thoracic aortic aneurysm and aortic dissection (TAAD). Also called: Thoracic aortic aneurysms and dissections. Identifiers: Orphanet 91387, MedGen C4707243, MONDO:0019625.
Pulmonary arterial hypertension. Identifiers: Orphanet 182090, MedGen C2973725, MeSH D000081029, MONDO:0015924, HP:0002092.
Aortic valve disease 1 (AOVD1). Identifiers: MedGen C3887892, MONDO:0024523, OMIM 109730.

Allele frequency attached by ClinVar (database versions not stated): gnomAD 0.00005 and 0.00009; gnomAD exomes 0.00005; ExAC 0.00008; ESP Exome Variant Server 0.00008; TOPMed 0.00013.

Submissions (9):

GeneDx
Classification: Uncertain significance. Last evaluated: 2026-08-11. Review status: criteria provided, single submitter. Criteria: GeneDx Variant Classification Process June 2021. Collection method: clinical testing. Allele origin: germline.
Comment: Identified in a patient with bicuspid aortic valve in published literature (PMID: 35288444); In silico analysis suggests that this missense variant does not alter protein structure/function; This variant is associated with the following publications: (PMID: 35288444)

Labcorp Genetics (formerly Invitae), Labcorp
Classification: Benign for Adams-Oliver syndrome 5. Last evaluated: 2025-10-26. Review status: criteria provided, single submitter. Criteria: Invitae Variant Classification Sherloc (09022015). Collection method: clinical testing. Allele origin: germline.

PreventionGenetics, part of Exact Sciences
Classification: Uncertain significance for NOTCH1-related condition. Last evaluated: 2025-06-26. Review status: criteria provided, single submitter. Criteria: ACMG Guidelines, 2015. Collection method: clinical testing. Allele origin: germline.
Comment: The NOTCH1 c.527G>A variant is predicted to result in the amino acid substitution p.Arg176Gln. This variant has been observed in a cohort of individuals with bicuspid aortic valve (Debiec et al. 2022. PubMed ID: 35288444). This variant is reported in 0.012% of alleles in individuals of European (Non-Finnish) descent in gnomAD. At this time, the clinical significance of this variant is uncertain due to the absence of conclusive functional and genetic evidence.

Ambry Genetics
Classification: Uncertain significance for Familial thoracic aortic aneurysm and aortic dissection. Last evaluated: 2024-10-21. Review status: criteria provided, single submitter. Criteria: Ambry Variant Classification Scheme 2023. Collection method: clinical testing. Allele origin: germline.
Comment: The p.R176Q variant (also known as c.527G>A), located in coding exon 4 of the NOTCH1 gene, results from a G to A substitution at nucleotide position 527. The arginine at codon 176 is replaced by glutamine, an amino acid with highly similar properties. This variant has been detected in a bicuspid aortic valve cohort; however, details were limited (Debiec RM et al. Heart, 2022 Mar [published online ahead of print], doi:10.1136/heartjnl-2021-320428). This amino acid position is not well conserved in available vertebrate species. In addition, this alteration is predicted to be tolerated by in silico analysis. Since supporting evidence is limited at this time, the clinical significance of this alteration remains unclear.

Blueprint Genetics
Classification: Likely benign. Last evaluated: 2024-10-18. Review status: criteria provided, single submitter. Criteria: ACMG Guidelines, 2015. Collection method: clinical testing. Allele origin: germline.

Genome-Nilou Lab
Classification: Uncertain significance for Adams-Oliver syndrome 5. Last evaluated: 2022-03-15. Review status: criteria provided, single submitter. Criteria: ACMG Guidelines, 2015. Collection method: clinical testing. Allele origin: germline. Affected: no.

Genome-Nilou Lab
Classification: Uncertain significance for Aortic valve disease 1. Last evaluated: 2022-03-15. Review status: criteria provided, single submitter. Criteria: ACMG Guidelines, 2015. Collection method: clinical testing. Allele origin: germline. Affected: no.

Mayo Clinic Laboratories, Mayo Clinic
Classification: Uncertain significance. Last evaluated: 2020-01-08. Review status: criteria provided, single submitter. Criteria: ACMG Guidelines, 2015. Collection method: clinical testing. Allele origin: germline. Observed: 1 variant allele.

John Welsh Cardiovascular Diagnostic Laboratory, Baylor College of Medicine
Classification: Likely benign for Pulmonary arterial hypertension. Last evaluated: 2022-09-26. Review status: no assertion criteria provided. Criteria: ACMG Guidelines, 2015. Collection method: clinical testing. Allele origin: germline. Not counted in ClinVar's aggregate classification.

Literature cited by the submitters: PubMed 35288444 (cited by Ambry Genetics).

NM_017617.5(NOTCH1):c.527G>A (p.Arg176Gln)

Gene: NOTCH1 (notch receptor 1; minus strand). Cytogenetic location: 9q34.3.
Variant type: single nucleotide variant.
Coding change: c.527G>A on transcript NM_017617.5 (MANE Select); coding-DNA position 527, G replaced by A.
Protein change: p.Arg176Gln; replaces arginine 176 with glutamine.
Molecular consequence: missense variant.
Genome position (GRCh38, 1-based): chr9:136,523,065, C>T on the plus strand (G>A on the coding strand, the complement: NOTCH1 is on the minus strand). VCF-style: chr9-136523065-C-T. GRCh37 (hg19) VCF-style: chr9-139417517-C-T.
Other names: c.527G>A, p.Arg176Gln (LRG_1122t1); c.527G>A (NM_017617.4); short protein forms R176Q.
Identifiers: ClinVar variation 409065 (VCV000409065.28), dbSNP rs375065108, ClinGen allele CA5342134.